The following is an entry in ClinVar:

ClinVar aggregate classification (germline): Uncertain significance. Review status: criteria provided, multiple submitters, no conflicts (2 of 4 stars). 4 submissions from 4 submitters: Uncertain significance (4). Last evaluated 2025-06-12.

Conditions:
Inborn genetic diseases. Identifiers: MedGen C0950123, MeSH D030342.

Allele frequency attached by ClinVar (database versions not stated): gnomAD exomes 0.00022; ESP Exome Variant Server 0.00024; gnomAD 0.00030 and 0.00034; TOPMed 0.00030; ExAC 0.00022.
gnomAD v4.1: 435 of 1,612,952 alleles (0.027%); highest among the groups gnomAD compares: Non-Finnish European, 0.033%; no homozygotes.

Submissions (4):

Mayo Clinic Laboratories, Mayo Clinic
Classification: Uncertain significance. Last evaluated: 2025-06-12. Review status: criteria provided, single submitter. Criteria: ACMG Guidelines, 2015. Collection method: clinical testing. Allele origin: germline. Observed: 2 variant alleles.
Comment: BP4_moderate

Labcorp Genetics (formerly Invitae), Labcorp
Classification: Uncertain significance. Last evaluated: 2022-08-09. Review status: criteria provided, single submitter. Criteria: Invitae Variant Classification Sherloc (09022015). Collection method: clinical testing. Allele origin: germline.
Comment: This sequence change replaces serine, which is neutral and polar, with tyrosine, which is neutral and polar, at codon 38 of the VARS2 protein (p.Ser38Tyr). This variant is present in population databases (rs145694863, gnomAD 0.04%). This variant has not been reported in the literature in individuals affected with VARS2-related conditions. ClinVar contains an entry for this variant (Variation ID: 1300565). Algorithms developed to predict the effect of missense changes on protein structure and function (SIFT, PolyPhen-2, Align-GVGD) all suggest that this variant is likely to be tolerated. In summary, the available evidence is currently insufficient to determine the role of this variant in disease. Therefore, it has been classified as a Variant of Uncertain Significance.

GeneDx
Classification: Uncertain significance. Last evaluated: 2021-09-28. Review status: criteria provided, single submitter. Criteria: GeneDx Variant Classification Process June 2021. Collection method: clinical testing. Allele origin: germline. Affected: yes.
Comment: Has not been previously published as pathogenic or benign to our knowledge; In silico analysis supports that this missense variant does not alter protein structure/function

Ambry Genetics
Classification: Uncertain significance for Inborn genetic diseases. Last evaluated: 2021-07-27. Review status: criteria provided, single submitter. Criteria: Ambry Variant Classification Scheme 2023. Collection method: clinical testing. Allele origin: germline.

NM_020442.6(VARS2):c.23C>A (p.Ser8Tyr)

Gene: VARS2 (valyl-tRNA synthetase 2, mitochondrial; plus strand). Cytogenetic location: 6p21.33.
Variant type: single nucleotide variant.
Coding change: c.23C>A on transcript NM_020442.6 (MANE Select); coding-DNA position 23, C replaced by A.
Protein change: p.Ser8Tyr; replaces serine 8 with tyrosine.
Molecular consequence: missense variant. On other transcripts: intron variant (1).
Genome position (GRCh38, 1-based): chr6:30,914,859, C>A. VCF-style: chr6-30914859-C-A. GRCh37 (hg19) VCF-style: chr6-30882636-C-A.
Other names: p.Ser38Tyr; c.113C>A, p.Ser38Tyr (NM_001167734.2); c.-219-297C>A (NM_001167733.3); short protein forms S38Y, S8Y.
Identifiers: ClinVar variation 1300565 (VCV001300565.7), dbSNP rs145694863, ClinGen allele CA3705482.